The following is an entry in ClinVar:

NM_001365951.3(KIF1B):c.2115+6104G>A

Gene: KIF1B (kinesin family member 1B; plus strand). Cytogenetic location: 1p36.22.
Variant type: single nucleotide variant.
Coding change: c.2115+6104G>A on transcript NM_001365951.3 (MANE Select); 6104 bases into the intron after coding-DNA position 2115, G replaced by A.
Molecular consequence: intron variant. On other transcripts: missense variant (2).
Genome position (GRCh38, 1-based): chr1:10,303,350, G>A. VCF-style: chr1-10303350-G-A. GRCh37 (hg19) VCF-style: chr1-10363408-G-A.
Other names: c.2165G>A, p.Arg722His (NM_001365953.1, NM_183416.4); c.1977+6104G>A (NM_015074.3); c.2115+6104G>A (NM_001365952.1); short protein forms R722H.
Identifiers: ClinVar variation 2634620 (VCV002634620.1), dbSNP rs370312737, ClinGen allele CA581203.

ClinVar aggregate classification (germline): Uncertain significance (1 of 4 stars; one submission).

Conditions:
KIF1B-related disorder. Also called: KIF1B-related condition.

Allele frequency attached by ClinVar (database versions not stated): gnomAD 0.00006; ESP Exome Variant Server 0.00008.
gnomAD v4.1: 127 of 1,614,054 alleles (0.0079%); highest among the groups gnomAD compares: Non-Finnish European, 0.0097%; no homozygotes.

Submission:

PreventionGenetics, part of Exact Sciences
Classification: Uncertain significance for KIF1B-related condition. Last evaluated: 2023-07-30. Review status: criteria provided, single submitter. Criteria: ACMG Guidelines, 2015. Collection method: clinical testing. Allele origin: germline.
Comment: The KIF1B c.2165G>A variant is predicted to result in the amino acid substitution p.Arg722His. To our knowledge, this variant has not been reported in the literature. This variant is reported in 0.0080% of alleles in individuals of African descent in gnomAD and is not interpreted in the ClinVar database. At this time, the clinical significance of this variant is uncertain due to the absence of conclusive functional and genetic evidence.